The following is an entry in ClinVar:

ClinVar aggregate classification (germline): Uncertain significance. Review status: criteria provided, multiple submitters, no conflicts (2 of 4 stars). 2 submissions from 2 submitters: Uncertain significance (2). Last evaluated 2026-03-31.

Conditions:
Inborn genetic diseases. Identifiers: MedGen C0950123, MeSH D030342.

Allele frequency attached by ClinVar (database versions not stated): gnomAD exomes 0.00002; gnomAD 0.00002.
gnomAD v4.1: 26 of 1,283,852 alleles (0.002%); highest among the groups gnomAD compares: South Asian, 0.0026%; no homozygotes.

Submissions (2):

Ambry Genetics
Classification: Uncertain significance for Inborn genetic diseases. Last evaluated: 2026-03-31. Review status: criteria provided, single submitter. Criteria: Ambry Variant Classification Scheme 2023. Collection method: clinical testing. Allele origin: germline.
Comment: The c.23G>C (p.R8P) alteration is located in exon 1 (coding exon 1) of the ITGB3 gene. This alteration results from a G to C substitution at nucleotide position 23, causing the arginine (R) at amino acid position 8 to be replaced by a proline (P). Based on data from gnomAD, the C allele has an overall frequency of 0.003% (1/30542) total alleles studied. The highest observed frequency was 0.007% (1/15180) of European (non-Finnish) alleles. Based on insufficient or conflicting evidence, the clinical significance of this alteration remains unclear.

Labcorp Genetics (formerly Invitae), Labcorp
Classification: Uncertain significance. Last evaluated: 2023-08-24. Review status: criteria provided, single submitter. Criteria: Invitae Variant Classification Sherloc (09022015). Collection method: clinical testing. Allele origin: germline.
Comment: This variant has not been reported in the literature in individuals affected with ITGB3-related conditions. This variant is present in population databases (no rsID available, gnomAD 0.007%). This sequence change replaces arginine, which is basic and polar, with proline, which is neutral and non-polar, at codon 8 of the ITGB3 protein (p.Arg8Pro). An algorithm developed to predict the effect of missense changes on protein structure and function (PolyPhen-2) suggests that this variant¬†is likely to be tolerated. In summary, the available evidence is currently insufficient to determine the role of this variant in disease. Therefore, it has been classified as a Variant of Uncertain Significance.

NM_000212.3(ITGB3):c.23G>C (p.Arg8Pro)

Gene: ITGB3 (integrin subunit beta 3; plus strand). Cytogenetic location: 17q21.32.
Variant type: single nucleotide variant.
Coding change: c.23G>C on transcript NM_000212.3 (MANE Select); coding-DNA position 23, G replaced by C.
Protein change: p.Arg8Pro; replaces arginine 8 with proline.
Molecular consequence: missense variant.
Genome position (GRCh38, 1-based): chr17:47,253,884, G>C. VCF-style: chr17-47253884-G-C. GRCh37 (hg19) VCF-style: chr17-45331250-G-C.
Other names: short protein forms R8P.
Identifiers: ClinVar variation 2744583 (VCV002744583.2), dbSNP rs910005054, ClinGen allele CA400028271.